The following is an entry in ClinVar:

NM_001555.5(IGSF1):c.3887_3888del (p.Thr1296fs)

Gene: IGSF1 (immunoglobulin superfamily member 1; minus strand). Cytogenetic location: Xq26.1.
Variant type: Deletion.
Coding change: c.3887_3888del on transcript NM_001555.5 (MANE Select); coding-DNA positions 3887 to 3888, 2 bases deleted (CA; older notation c.3887_3888delCA).
Protein change: p.Thr1296fs; shifts the reading frame from threonine 1296.
Molecular consequence: frameshift variant.
Genome position (GRCh38, 1-based): chrX:131,273,919-131,273,920, TG deleted on the plus strand (CA on the coding strand, the reverse complement: IGSF1 is on the minus strand); deleting any 2 consecutive bases within chrX:131,273,919-131,273,921 gives the same sequence; the c. name uses the placement nearest the transcript's 3' end. VCF-style (leftmost placement, unchanged base first): chrX-131273918-CTG-C. GRCh37 (hg19) VCF-style: chrX-130407892-CTG-C.
Other names: c.3902_3903del, p.Thr1301fs (NM_001170961.2); c.3860_3861del, p.Thr1287fs (NM_001170962.2); c.3902_3903delCA (NM_001170961.1); short protein forms T1301fs, T1287fs, T1296fs.
Identifiers: ClinVar variation 424099 (VCV000424099.2), dbSNP rs1064796795, ClinGen allele CA16621199.

ClinVar aggregate classification (germline): Uncertain significance (1 of 4 stars; one submission).

Submission:

GeneDx
Classification: Uncertain significance. Last evaluated: 2017-02-28. Review status: criteria provided, single submitter. Criteria: GeneDx Variant Classification (06012015). Collection method: clinical testing. Allele origin: germline. Affected: yes.
Comment: The c.3902_3903delCA variant in the IGSF1 gene has not been reported previously as a pathogenic variant nor as a benign variant, to our knowledge. The c.3902_3903delCA variant causes a frameshift starting with codon Threonine 1301, changes this amino acid to an Arginine residue, and creates a premature Stop codon at position 10 of the new reading frame, denoted p.Thr1301ArgfsX10. This variant is predicted to cause loss of normal protein function through protein truncation. The c.3902_3903delCA variant is not observed in large population cohorts (Lek et al., 2016; 1000 Genomes Consortium et al., 2015; Exome Variant Server). We interpret c.3902_3903delCA as a likely pathogenic variant.